The following is an entry in ClinVar:

ClinVar aggregate classification (germline): Uncertain significance (1 of 4 stars; one submission).

Submission:

GeneDx
Classification: Uncertain significance. Last evaluated: 2026-02-02. Review status: criteria provided, single submitter. Criteria: GeneDx Variant Classification Process June 2021. Collection method: clinical testing. Allele origin: germline.
Comment: Not observed at significant frequency in large population cohorts (gnomAD); In silico analysis suggests that this missense variant does not alter protein structure/function; Has not been previously published as pathogenic or benign to our knowledge

NM_020988.3(GNAO1):c.40G>A (p.Glu14Lys)

Gene: GNAO1 (G protein subunit alpha o1; plus strand). Cytogenetic location: 16q13.
Variant type: single nucleotide variant.
Coding change: c.40G>A on transcript NM_020988.3 (MANE Select); coding-DNA position 40, G replaced by A.
Protein change: p.Glu14Lys; replaces glutamic acid 14 with lysine.
Molecular consequence: missense variant.
Genome position (GRCh38, 1-based): chr16:56,192,275, G>A. VCF-style: chr16-56192275-G-A. GRCh37 (hg19) VCF-style: chr16-56226187-G-A.
Other names: c.40G>A, p.Glu14Lys (NM_138736.3); short protein forms E14K.
Identifiers: ClinVar variation 4976037 (VCV004976037.1).